The following is an entry in ClinVar:

NM_030957.4(ADAMTS10):c.1340C>T (p.Ser447Leu)

Gene: ADAMTS10 (ADAM metallopeptidase with thrombospondin type 1 motif 10; minus strand). Cytogenetic location: 19p13.2.
Variant type: single nucleotide variant.
Coding change: c.1340C>T on transcript NM_030957.4 (MANE Select); coding-DNA position 1340, C replaced by T.
Protein change: p.Ser447Leu; replaces serine 447 with leucine.
Molecular consequence: missense variant.
Genome position (GRCh38, 1-based): chr19:8,595,901, G>A on the plus strand (C>T on the coding strand, the complement: ADAMTS10 is on the minus strand). VCF-style: chr19-8595901-G-A. GRCh37 (hg19) VCF-style: chr19-8660785-G-A.
Other names: c.1340C>T (NM_030957.3); short protein forms S447L.
Identifiers: ClinVar variation 1583959 (VCV001583959.10), dbSNP rs138390118, ClinGen allele CA9160541.
Genomic context (GRCh38, chr19:8,595,901, plus strand): 5'-ACTGTCGGGTACACAAAGTCCTGTCTGGGGGGCCGGTTGTTCAGGCAGAGCCCCAGGCCC[G>A]AGCTGCCTCGAGAGAAAAGCAACTGTCATGCTAGGTGGCTGCAAATCAAGAGCTCAGGAG-3'
Protein context (NP_112219.3, residues 437-457): SRDYITSFLD[Ser447Leu]GLGLCLNNRP

ClinVar aggregate classification (germline): Likely benign. Review status: criteria provided, multiple submitters, no conflicts (2 of 4 stars). 3 submissions from 3 submitters: Likely benign (2). 1 of the submissions does not count toward it. Last evaluated 2026-01-26.

Conditions:
ADAMTS10-related disorder. Also called: ADAMTS10-related condition.

Allele frequency attached by ClinVar (database versions not stated): gnomAD 0.00012 and 0.00014; gnomAD exomes 0.00012 and 0.00029; ExAC 0.00024; TOPMed 0.00019; ESP Exome Variant Server 0.00023.
gnomAD v4.1: 216 of 1,614,058 alleles (0.013%); highest among the groups gnomAD compares: Admixed American, 0.04%; no homozygotes.

Submissions (3):

Labcorp Genetics (formerly Invitae), Labcorp
Classification: Likely benign. Last evaluated: 2026-01-26. Review status: criteria provided, single submitter. Criteria: Invitae Variant Classification Sherloc (09022015). Collection method: clinical testing. Allele origin: germline.

Breakthrough Genomics
Classification: Likely benign. Review status: criteria provided, single submitter. Criteria: ACMG Guidelines, 2015. Collection method: not provided. Allele origin: germline. Inheritance: Autosomal recessive inheritance. Affected: yes.

PreventionGenetics, part of Exact Sciences
Classification: Likely benign for ADAMTS10-related condition. Last evaluated: 2024-06-28. Review status: no assertion criteria provided. Collection method: clinical testing. Allele origin: germline. Not counted in ClinVar's aggregate classification.
Comment: This variant is classified as likely benign based on ACMG/AMP sequence variant interpretation guidelines (Richards et al. 2015 PMID: 25741868, with internal and published modifications).